The following is an entry in ClinVar:

NM_001040142.2(SCN2A):c.698-161C>T

Gene: SCN2A (sodium voltage-gated channel alpha subunit 2; plus strand). Cytogenetic location: 2q24.3.
Variant type: single nucleotide variant.
Coding change: c.698-161C>T on transcript NM_001040142.2 (MANE Select); 161 bases into the intron before coding-DNA position 698, C replaced by T.
Molecular consequence: intron variant.
Genome position (GRCh38, 1-based): chr2:165,310,162, C>T. VCF-style: chr2-165310162-C-T. GRCh37 (hg19) VCF-style: chr2-166166672-C-T.
Other names: c.698-161C>T (NM_001040143.2, NM_001371246.1, NM_001371247.1 and 1 more transcripts).
Identifiers: ClinVar variation 669359 (VCV000669359.1), dbSNP rs2116658, ClinGen allele CA59728649.

ClinVar aggregate classification (germline): Benign (1 of 4 stars; one submission).

Allele frequency attached by ClinVar (database versions not stated): 1000 Genomes Project 0.26637; 1000 Genomes Project 30x 0.27139; gnomAD 0.29423 and 0.29586; TOPMed 0.30615.
gnomAD v4.1: 44,770 of 152,012 alleles (29%); highest among the groups gnomAD compares: Middle Eastern, 45%; 6,911 homozygotes.

Submission:

GeneDx
Classification: Benign. Last evaluated: 2018-06-14. Review status: criteria provided, single submitter. Criteria: GeneDx Variant Classification (06012015). Collection method: clinical testing. Allele origin: germline. Affected: yes.
Comment: This variant is considered likely benign or benign based on one or more of the following criteria: it is a conservative change, it occurs at a poorly conserved position in the protein, it is predicted to be benign by multiple in silico algorithms, and/or has population frequency not consistent with disease.